The following is an entry in ClinVar:

NM_001035.3(RYR2):c.13410C>T (p.Tyr4470=)

Gene: RYR2 (ryanodine receptor 2; plus strand). Cytogenetic location: 1q43.
Variant type: single nucleotide variant.
Coding change: c.13410C>T on transcript NM_001035.3 (MANE Select); coding-DNA position 13410, C replaced by T.
Protein change: p.Tyr4470=; no amino-acid change (tyrosine 4470 retained).
Molecular consequence: synonymous variant.
Genome position (GRCh38, 1-based): chr1:237,788,069, C>T. VCF-style: chr1-237788069-C-T. GRCh37 (hg19) VCF-style: chr1-237951369-C-T.
Other names: p.Tyr4470=; c.13410C>T, p.Tyr4470= (LRG_402t1).
Identifiers: ClinVar variation 532424 (VCV000532424.22), dbSNP rs183933829, ClinGen allele CA085368.

ClinVar aggregate classification (germline): Conflicting classifications of pathogenicity. Review status: criteria provided, conflicting classifications (1 of 4 stars). 8 submissions from 7 submitters: Uncertain significance (2); Likely benign (6). Last evaluated 2026-01-11.

Conditions:
Cardiomyopathy (CMYO). Also called: Cardiomyopathies. Identifiers: Orphanet 167848, MedGen C0878544, MONDO:0004994, HP:0001638. Inheritance: Various modes of inheritance.
Catecholaminergic polymorphic ventricular tachycardia (CVPT). Also called: Catecholamine-induced polymorphic ventricular tachycardia. Identifiers: Orphanet 3286, MedGen C5574922, MONDO:0017990.
Arrhythmogenic right ventricular dysplasia 2. Identifiers: MedGen C1832931.
Cardiovascular phenotype. Identifiers: MedGen CN230736.
Catecholaminergic polymorphic ventricular tachycardia 1. Also called: VENTRICULAR TACHYCARDIA, CATECHOLAMINERGIC POLYMORPHIC, 1, WITH OR WITHOUT ATRIAL DYSFUNCTION AND/OR DILATED CARDIOMYOPATHY; RYR2-Related Catecholaminergic Polymorphic Ventricular Tachycardia; VENTRICULAR TACHYCARDIA, STRESS-INDUCED POLYMORPHIC 1. Identifiers: Orphanet 3286, MedGen C1631597, MONDO:0011484, OMIM 604772.

Allele frequency attached by ClinVar (database versions not stated): gnomAD 0.00001; gnomAD exomes 0.00001; ExAC 0.00002; TOPMed 0.00002; 1000 Genomes Project 30x 0.00016; 1000 Genomes Project 0.00020.
gnomAD v4.1: 19 of 1,611,892 alleles (0.0012%); highest among the groups gnomAD compares: East Asian, 0.0022%; no homozygotes.

Submissions (8):

Labcorp Genetics (formerly Invitae), Labcorp
Classification: Likely benign for Catecholaminergic polymorphic ventricular tachycardia 1. Last evaluated: 2026-01-11. Review status: criteria provided, single submitter. Criteria: Invitae Variant Classification Sherloc (09022015). Collection method: clinical testing. Allele origin: germline.

Mayo Clinic Laboratories, Mayo Clinic
Classification: Likely benign. Last evaluated: 2025-10-20. Review status: criteria provided, single submitter. Criteria: ACMG Guidelines, 2015. Collection method: clinical testing. Allele origin: germline. Observed: 2 variant alleles.
Comment: BP4, BP7

Women's Health and Genetics/Laboratory Corporation of America, LabCorp
Classification: Likely benign. Last evaluated: 2024-11-27. Review status: criteria provided, single submitter. Criteria: LabCorp Variant Classification Summary - May 2015. Collection method: clinical testing. Allele origin: germline.

All of Us Research Program, National Institutes of Health
Classification: Likely benign for Catecholaminergic polymorphic ventricular tachycardia. Last evaluated: 2023-12-13. Review status: criteria provided, single submitter. Criteria: ACMG Guidelines, 2015. Collection method: clinical testing. Allele origin: germline. Inheritance: Autosomal dominant inheritance. Observed: 7 variant alleles, 7 heterozygotes.
Comment: This study involves interpretation of variants in research participants for the purpose of population health screening. Participant phenotype was not available at the time of variant classification. Additional details can be found in publication PMID: 35346344, PMCID: PMC8962531

Ambry Genetics
Classification: Likely benign for Cardiovascular phenotype. Last evaluated: 2022-01-05. Review status: criteria provided, single submitter. Criteria: Ambry Variant Classification Scheme 2023. Collection method: clinical testing. Allele origin: germline.

Color Diagnostics, LLC DBA Color Health
Classification: Likely benign for Cardiomyopathy. Last evaluated: 2019-03-07. Review status: criteria provided, single submitter. Criteria: ACMG Guidelines, 2015. Collection method: clinical testing. Allele origin: germline.

Illumina Laboratory Services, Illumina
Classification: Uncertain significance for Catecholaminergic polymorphic ventricular tachycardia 1. Last evaluated: 2018-01-13. Review status: criteria provided, single submitter. Criteria: ICSL Variant Classification Criteria 13 December 2019. Collection method: clinical testing. Allele origin: germline.

Illumina Laboratory Services, Illumina
Classification: Uncertain significance for Catecholaminergic polymorphic ventricular tachycardia 1. Last evaluated: 2018-01-13. Review status: criteria provided, single submitter. Criteria: ICSL Variant Classification Criteria 13 December 2019. Collection method: clinical testing. Allele origin: germline.